The following is an entry in ClinVar:

NM_152703.5(SAMD9L):c.4028T>A (p.Leu1343His)

Gene: SAMD9L (sterile alpha motif domain containing 9 like; minus strand). Cytogenetic location: 7q21.2.
Variant type: single nucleotide variant.
Coding change: c.4028T>A on transcript NM_152703.5 (MANE Select); coding-DNA position 4028, T replaced by A.
Protein change: p.Leu1343His; replaces leucine 1343 with histidine.
Molecular consequence: missense variant.
Genome position (GRCh38, 1-based): chr7:93,131,944, A>T on the plus strand (T>A on the coding strand, the complement: SAMD9L is on the minus strand). VCF-style: chr7-93131944-A-T. GRCh37 (hg19) VCF-style: chr7-92761257-A-T.
Other names: c.4028T>A (NM_152703.2); c.4028T>A, p.Leu1343His (NM_001303496.3, NM_001303497.3, NM_001303498.3 and 5 more transcripts); short protein forms L1343H.
Identifiers: ClinVar variation 1369194 (VCV001369194.10), dbSNP rs916949363, ClinGen allele CA161958700.

ClinVar aggregate classification (germline): Uncertain significance. Review status: criteria provided, multiple submitters, no conflicts (2 of 4 stars). 2 submissions from 2 submitters: Uncertain significance (2). Last evaluated 2025-11-02.

Conditions:
Inborn genetic diseases. Identifiers: MedGen C0950123, MeSH D030342.

Allele frequency attached by ClinVar (database versions not stated): TOPMed 0.00001.
gnomAD v4.1: 11 of 1,612,964 alleles (0.00068%); highest among the groups gnomAD compares: Middle Eastern, 0.017%; no homozygotes.

Submissions (2):

Ambry Genetics
Classification: Uncertain significance for Inborn genetic diseases. Last evaluated: 2025-11-02. Review status: criteria provided, single submitter. Criteria: Ambry Variant Classification Scheme 2023. Collection method: clinical testing. Allele origin: germline.

Labcorp Genetics (formerly Invitae), Labcorp
Classification: Uncertain significance. Last evaluated: 2025-10-21. Review status: criteria provided, single submitter. Criteria: Invitae Variant Classification Sherloc (09022015). Collection method: clinical testing. Allele origin: germline.
Comment: This sequence change replaces leucine, which is neutral and non-polar, with histidine, which is basic and polar, at codon 1343 of the SAMD9L protein (p.Leu1343His). This variant is not present in population databases (gnomAD no frequency). This variant has not been reported in the literature in individuals affected with SAMD9L-related conditions. ClinVar contains an entry for this variant (Variation ID: 1369194). Invitae Evidence Modeling of protein sequence and biophysical properties (such as structural, functional, and spatial information, amino acid conservation, physicochemical variation, residue mobility, and thermodynamic stability) indicates that this missense variant is expected to disrupt SAMD9L protein function with a positive predictive value of 80%. In summary, the available evidence is currently insufficient to determine the role of this variant in disease. Therefore, it has been classified as a Variant of Uncertain Significance.